The following is an entry in ClinVar:

ClinVar aggregate classification (germline): Uncertain significance (1 of 4 stars; one submission).

Submission:

Dasa
Classification: Uncertain significance. Last evaluated: 2024-09-10. Review status: criteria provided, single submitter. Criteria: DASA Assertion Criteria. Collection method: clinical testing. Allele origin: germline.
Comment: NM_005188.4(CBL):c.2428dup (p.Thr810Asnfs*6) is a frameshift variant in CBL predicted to alter the reading frame and introduce a premature termination codon. This variant is absent from population databases. The currently available literature and clinical evidence are not sufficient to establish a definitive association between this variant and the reported condition. Therefore, this variant is classified as a variant of uncertain significance.

NM_005188.4(CBL):c.2428dup (p.Thr810fs)

Gene: CBL (Cbl proto-oncogene; plus strand). Cytogenetic location: 11q23.3.
Variant type: Duplication.
Coding change: c.2428dup on transcript NM_005188.4 (MANE Select); coding-DNA position 2428, one base duplicated (A; older notation c.2428dupA).
Protein change: p.Thr810fs; shifts the reading frame from threonine 810.
Molecular consequence: frameshift variant.
Genome position (GRCh38, 1-based): chr11:119,298,534, A duplicated. VCF-style (leftmost placement, unchanged base first): chr11-119298533-T-TA. GRCh37 (hg19) VCF-style: chr11-119169243-T-TA.
Other names: short protein forms T810fs.
Identifiers: ClinVar variation 4883905 (VCV004883905.2).